The following is an entry in ClinVar:

ClinVar aggregate classification (germline): Uncertain significance (1 of 4 stars; one submission).

Conditions:
Aortic aneurysm, familial thoracic 6 (AAT6). Also called: FAMILIAL THORACIC AORTIC ANEURYSM WITH LIVEDO RETICULARIS AND IRIS FLOCCULI. Identifiers: MedGen C2673186, MONDO:0012730, OMIM 611788.

gnomAD v4.1: 1 of 1,613,860 alleles (0.000062%); highest among the groups gnomAD compares: Non-Finnish European, 0.000085%; no homozygotes.

Submission:

Labcorp Genetics (formerly Invitae), Labcorp
Classification: Uncertain significance for Aortic aneurysm, familial thoracic 6. Last evaluated: 2024-03-11. Review status: criteria provided, single submitter. Criteria: Invitae Variant Classification Sherloc (09022015). Collection method: clinical testing. Allele origin: germline.
Comment: This sequence change replaces serine, which is neutral and polar, with glycine, which is neutral and non-polar, at codon 7 of the ACTA2 protein (p.Ser7Gly). This variant is present in population databases (rs765607611, gnomAD 0.0009%). This variant has not been reported in the literature in individuals affected with ACTA2-related conditions. Advanced modeling of protein sequence and biophysical properties (such as structural, functional, and spatial information, amino acid conservation, physicochemical variation, residue mobility, and thermodynamic stability) performed at Invitae indicates that this missense variant is not expected to disrupt ACTA2 protein function with a negative predictive value of 95%. In summary, the available evidence is currently insufficient to determine the role of this variant in disease. Therefore, it has been classified as a Variant of Uncertain Significance.

NM_001613.4(ACTA2):c.19A>G (p.Ser7Gly)

Gene: ACTA2 (actin alpha 2, smooth muscle; minus strand). Cytogenetic location: 10q23.31.
Variant type: single nucleotide variant.
Coding change: c.19A>G on transcript NM_001613.4 (MANE Select); coding-DNA position 19, A replaced by G.
Protein change: p.Ser7Gly; replaces serine 7 with glycine.
Molecular consequence: missense variant.
Genome position (GRCh38, 1-based): chr10:88,948,912, T>C on the plus strand (A>G on the coding strand, the complement: ACTA2 is on the minus strand). VCF-style: chr10-88948912-T-C. GRCh37 (hg19) VCF-style: chr10-90708669-T-C.
Other names: c.19A>G, p.Ser7Gly (NM_001141945.3, NM_001320855.2, NM_001406462.1 and 7 more transcripts); short protein forms S7G.
Identifiers: ClinVar variation 3618007 (VCV003618007.2).